The following is an entry in ClinVar:

NM_005334.3(HCFC1):c.2512G>A (p.Ala838Thr)

Gene: HCFC1 (host cell factor C1; minus strand). Cytogenetic location: Xq28.
Variant type: single nucleotide variant.
Coding change: c.2512G>A on transcript NM_005334.3 (MANE Select); coding-DNA position 2512, G replaced by A.
Protein change: p.Ala838Thr; replaces alanine 838 with threonine.
Molecular consequence: missense variant.
Genome position (GRCh38, 1-based): chrX:153,956,748, C>T on the plus strand (G>A on the coding strand, the complement: HCFC1 is on the minus strand). VCF-style: chrX-153956748-C-T. GRCh37 (hg19) VCF-style: chrX-153222199-C-T.
Other names: c.2512G>A, p.Ala838Thr (NM_001410705.1); short protein forms A838T.
Identifiers: ClinVar variation 3364075 (VCV003364075.1).

ClinVar aggregate classification (germline): Uncertain significance (1 of 4 stars; one submission).

Submission:

GeneDx
Classification: Uncertain significance. Last evaluated: 2023-11-14. Review status: criteria provided, single submitter. Criteria: GeneDx Variant Classification Process June 2021. Collection method: clinical testing. Allele origin: germline. Affected: yes.
Comment: Not observed at significant frequency in large population cohorts (gnomAD); In silico analysis supports that this missense variant does not alter protein structure/function; Has not been previously published as pathogenic or benign to our knowledge